The following is an entry in ClinVar:

NM_007294.4(BRCA1):c.1723G>A (p.Glu575Lys)

Gene: BRCA1 (BRCA1 DNA repair associated; minus strand). Cytogenetic location: 17q21.31.
Variant type: single nucleotide variant.
Coding change: c.1723G>A on transcript NM_007294.4 (MANE Select); coding-DNA position 1723, G replaced by A.
Protein change: p.Glu575Lys; replaces glutamic acid 575 with lysine.
Molecular consequence: missense variant. On other transcripts: intron variant (137).
Genome position (GRCh38, 1-based): chr17:43,093,808, C>T on the plus strand (G>A on the coding strand, the complement: BRCA1 is on the minus strand). VCF-style: chr17-43093808-C-T. GRCh37 (hg19) VCF-style: chr17-41245825-C-T.
Other names: p.E575K:GAA>AAA; c.1510G>A, p.Glu504Lys (NM_001407571.1, NM_001407853.1, NM_001407894.1 and 9 more transcripts); c.1723G>A, p.Glu575Lys (NM_001407581.1, NM_001407582.1, NM_001407583.1 and 30 more transcripts); c.1720G>A, p.Glu574Lys (NM_001407587.1, NM_001407590.1, NM_001407591.1 and 22 more transcripts); c.1714G>A, p.Glu572Lys (NM_001407646.1, NM_001407647.1); c.1600G>A, p.Glu534Lys (NM_001407648.1, NM_001407664.1, NM_001407665.1 and 19 more transcripts); c.1597G>A, p.Glu533Lys (NM_001407649.1, NM_001407670.1, NM_001407671.1 and 11 more transcripts); c.1645G>A, p.Glu549Lys (NM_001407653.1, NM_001407654.1, NM_001407655.1 and 4 more transcripts); and 42 more; short protein forms E575K, E528K, E447K, E507K, E533K, E549K, E448K, E463K.
Identifiers: ClinVar variation 54334 (VCV000054334.31), dbSNP rs397508902, ClinGen allele CA001127.
Genomic context (GRCh38, chr17:43,093,808, plus strand): 5'-CCATATTGCTTATACTGCTGCTTATAGGTTCAGCTTTCGTTTTGAAAGCAGATTCTTTTT[C>T]GAGTGATTCTATTGGGTTAGGATTTTTCTCATTCTGAATAGAATCACCTTTTGTTTTATT-3'
Protein context (NP_009225.1, residues 565-585): EKNPNPIESL[Glu575Lys]KESAFKTKAE

ClinVar aggregate classification (germline): Conflicting classifications of pathogenicity. Review status: criteria provided, conflicting classifications (1 of 4 stars). 12 submissions from 12 submitters: Uncertain significance (7); Likely benign (2). 3 of the submissions do not count toward it. Last evaluated 2026-01-18.

Conditions:
BRCA1-related cancer predisposition. Identifiers: MedGen CN377757, MONDO:0700268.
Familial cancer of breast. Also called: Hereditary breast cancer; hereditary breast carcinoma; BREAST CANCER, FAMILIAL. Identifiers: Orphanet 227535, MedGen C0346153, MONDO:0016419, OMIM 114480. Disease mechanism: loss of function.
Breast-ovarian cancer, familial, susceptibility to, 1 (BROVCA1). Also called: OVARIAN CANCER, SUSCEPTIBILITY TO; BRCA1 Hereditary Breast and Ovarian Cancer. Identifiers: Orphanet 145, MedGen C2676676, MONDO:0011450, OMIM 604370. Disease mechanism: loss of function.
Pancreatic cancer, susceptibility to, 4. Identifiers: Orphanet 1333, MedGen C3280442, MONDO:0013685, OMIM 614320.
Fanconi anemia, complementation group S (FANCS). Identifiers: MedGen C4554406, MONDO:0054748, OMIM 617883.
Hereditary cancer-predisposing syndrome. Also called: Tumor predisposition; Neoplastic Syndromes, Hereditary; Hereditary Cancer Syndrome; Hereditary neoplastic syndrome. Identifiers: Orphanet 140162, MedGen C0027672, MeSH D009386, MONDO:0015356.
Hereditary breast ovarian cancer syndrome. Also called: Hereditary breast and ovarian cancer syndrome (HBOC); Hereditary breast and ovarian cancer syndrome; Hereditary breast and ovarian cancer; Hereditary breast and/or ovarian cancer syndrome; Breast and ovarian cancer; BRCA1- and BRCA2-Associated Hereditary Breast and Ovarian Cancer. Identifiers: Orphanet 145, MedGen C0677776, MeSH D061325, MONDO:0003582. Disease mechanism: loss of function.

Allele frequency attached by ClinVar (database versions not stated): ExAC 0.00002; gnomAD exomes 0.00002.
gnomAD v4.1: 29 of 1,613,404 alleles (0.0018%); highest among the groups gnomAD compares: South Asian, 0.0088%; no homozygotes.

Submissions 1 to 6 of 12:

Labcorp Genetics (formerly Invitae), Labcorp
Classification: Likely benign for Hereditary breast ovarian cancer syndrome. Last evaluated: 2026-01-18. Review status: criteria provided, single submitter. Criteria: Invitae Variant Classification Sherloc (09022015). Collection method: clinical testing. Allele origin: germline.

Women's Health and Genetics/Laboratory Corporation of America, LabCorp
Classification: Uncertain significance. Last evaluated: 2026-01-07. Review status: criteria provided, single submitter. Criteria: LabCorp Variant Classification Summary - May 2015. Collection method: clinical testing. Allele origin: germline.
Comment: Variant summary: BRCA1 c.1723G>A (p.Glu575Lys) results in a conservative amino acid change in the encoded protein sequence. Algorithms developed to predict the effect of missense changes on protein structure and function are either unavailable or do not agree on the potential impact of this missense change. The variant allele was found at a frequency of 2e-05 in 250624 control chromosomes. c.1723G>A has been observed in the presumed heterozygous state in multiple individual(s) affected with or undergoing genetic testing for clinical features of Hereditary Breast And Ovarian Cancer Syndrome (example, Dougherty_2017, Azzollini_2016, Suter_2004, Coupier_2004, Hovland_2022). In at least 1 family, the variant was observed heterozygous in 1 affected and 1 unaffected adult sibling, respectively (Coupier_2004). These data do not allow any conclusion about variant significance. Co-occurrences with other pathogenic variant(s) have been reported (BRCA1, V340fs*1), providing supporting evidence for a benign role (Dougherty_2017). At least two publications report experimental evidence evaluating an impact on protein function. The most pronounced variant effect results in 10%-<30% of normal double strand break repair of plasmids in vitro, and Western blotting showed a mild decrease in protein levels vs. the control and normal localization (example, Coupier_2004, Hovland_2023). The following publications have been ascertained in the context of this evaluation (PMID: 28525389, 27062684, 14973102, 14647443, 31825140, 33945048, 36107942, 31954625, 26950094, 40977519, 34837577, 34981296, 28481359, 18273839, 34930165, 20858050, 36833189). ClinVar contains an entry for this variant (Variation ID: 54334). Based on the evidence outlined above, the variant was classified as VUS-possibly benign.

Ambry Genetics
Classification: Uncertain significance for Hereditary cancer-predisposing syndrome. Last evaluated: 2025-10-06. Review status: criteria provided, single submitter. Criteria: Ambry Variant Classification Scheme 2023. Collection method: clinical testing. Allele origin: germline.
Comment: The p.E575K variant (also known as c.1723G>A), located in coding exon 9 of the BRCA1 gene, results from a G to A substitution at nucleotide position 1723. The glutamic acid at codon 575 is replaced by lysine, an amino acid with similar properties. This amino acid position is not well conserved in available vertebrate species. In addition, this alteration is predicted to be deleterious by in silico analysis. Based on the available evidence, the clinical significance of this variant remains unclear.

All of Us Research Program, National Institutes of Health
Classification: Uncertain significance for BRCA1-related cancer predisposition. Last evaluated: 2024-09-23. Review status: criteria provided, single submitter. Criteria: ACMG Guidelines, 2015. Collection method: clinical testing. Allele origin: germline. Inheritance: Autosomal dominant inheritance. Observed: 6 variant alleles, 6 heterozygotes.
Comment: This missense variant replaces glutamic acid with lysine at codon 575 of the BRCA1 protein. Computational prediction is inconclusive regarding the impact of this variant on protein structure and function (internally defined REVEL score threshold 0.5 < inconclusive < 0.7, PMID: 27666373). One functional study observed partial activity in an ex vivo repair assay of an extrachromosomal plasmid (PMID: 14647443). This variant has been reported in at least two unrelated individuals affected with breast cancer (PMID: 14647443, 14973102) and two suspected hereditary breast and ovarian cancer families (PMID: 27062684, 31954625). However, this variant did not segregate completely with breast cancer affected members of a family (PMID: 14647443). This variant also has been detected in a breast cancer case-control meta-analysis in 1/60466 cases and 0/53461 unaffected individuals (PMID: 33471991; Leiden Open Variation Database DB-ID BRCA1_000164). This variant has been identified in 5/250624 chromosomes in the general population by the Genome Aggregation Database (gnomAD). The available evidence is insufficient to determine the role of this variant in disease conclusively. Therefore, this variant is classified as a Variant of Uncertain Significance.

This study involves interpretation of variants in research participants for the purpose of population health screening. Participant phenotype was not available at the time of variant classification. Additional details can be found in publication PMID: 35346344, PMCID: PMC8962531

Color Diagnostics, LLC DBA Color Health
Classification: Uncertain significance for Hereditary cancer-predisposing syndrome. Last evaluated: 2024-07-17. Review status: criteria provided, single submitter. Criteria: ACMG Guidelines, 2015. Collection method: clinical testing. Allele origin: germline.
Comment: This missense variant replaces glutamic acid with lysine at codon 575 of the BRCA1 protein. Computational prediction is inconclusive regarding the impact of this variant on protein structure and function. One functional study observed partial activity in an ex vivo repair assay of an extrachromosomal plasmid (PMID: 14647443). This variant has been reported in at least two unrelated individuals affected with breast cancer (PMID: 14647443, 14973102) and in suspected hereditary breast and ovarian cancer families (PMID: 27062684, 31954625, 34981296). However, this variant did not segregate completely with breast cancer affected members of a family (PMID: 14647443). This variant also has been detected in a breast cancer case-control meta-analysis in 1/60466 cases and 0/53461 unaffected individuals (PMID: 33471991; Leiden Open Variation Database DB-ID BRCA1_000164). This variant has been identified in 5/250624 chromosomes in the general population by the Genome Aggregation Database (gnomAD). The available evidence is insufficient to determine the role of this variant in disease conclusively. Therefore, this variant is classified as a Variant of Uncertain Significance.

Quest Diagnostics Nichols Institute San Juan Capistrano
Classification: Uncertain significance. Last evaluated: 2024-04-27. Review status: criteria provided, single submitter. Criteria: Quest Diagnostics criteria. Collection method: clinical testing. Allele origin: unknown.
Comment: The BRCA1 c.1723G>A (p.Glu575Lys) variant has been reported in the published literature in high-risk breast and/or ovarian cancer families (PMIDs: 34981296 (2022), 31954625 (2020), 31825140 (2019), 27062684 (2016), 18273839 (2008), 14647443 (2004), 14973102 (2004)), as well as in an individual with breast cancer in a large scale breast cancer association study (PMID: 33471991 (2021), see also LOVD). This variant was also reported to be damaging to DNA break repair activity in a cell-based study (PMID: 14647443 (2004)). The frequency of this variant in the general population, 0.00002 (5/250624 chromosomes (Genome Aggregation Database)), is uninformative in the assessment of its pathogenicity. Analysis of this variant using bioinformatics tools for the prediction of the effect of amino acid changes on protein structure and function yielded conflicting predictions that this variant is deleterious or benign. Based on the available information, we are unable to determine the clinical significance of this variant.